The following is an entry in ClinVar:

ClinVar aggregate classification (germline): Benign/Likely benign. Review status: criteria provided, multiple submitters, no conflicts (2 of 4 stars). 12 submissions from 12 submitters: Benign (9); Likely benign (1). 2 of the submissions do not count toward it. Last evaluated 2026-02-04.

Conditions:
Vanishing white matter disease. Also called: CACH syndrome; Childhood ataxia with diffuse central nervous system hypomyelination; Leukoencephalopathy with vanishing white matter; CACH/VWM syndrome; Cree leukoencehalopathy. Identifiers: Orphanet 135, Orphanet 99853, MedGen C1858991, MONDO:0800448.

Allele frequency attached by ClinVar (database versions not stated): ESP Exome Variant Server 0.32816; gnomAD 0.33258 and 0.32719; ExAC 0.34983; 1000 Genomes Project 30x 0.38523; TOPMed 0.33311; gnomAD exomes 0.35122; 1000 Genomes Project 0.38998.
gnomAD v4.1: 546,249 of 1,613,776 alleles (34%); highest among the groups gnomAD compares: East Asian, 54%; 94,784 homozygotes.

Submissions (12):

Labcorp Genetics (formerly Invitae), Labcorp
Classification: Benign. Last evaluated: 2026-02-04. Review status: criteria provided, single submitter. Criteria: Invitae Variant Classification Sherloc (09022015). Collection method: clinical testing. Allele origin: germline.

Blueprint Genetics
Classification: Likely benign. Last evaluated: 2024-11-26. Review status: criteria provided, single submitter. Criteria: ACMG Guidelines, 2015. Collection method: clinical testing. Allele origin: germline.

Mayo Clinic Laboratories, Mayo Clinic
Classification: Benign. Last evaluated: 2022-03-24. Review status: criteria provided, single submitter. Criteria: ACMG Guidelines, 2015. Collection method: clinical testing. Allele origin: germline. Observed: 260 variant alleles.

Pars Genome Lab
Classification: Benign for Leukoencephalopathy with vanishing white matter 1. Last evaluated: 2021-06-15. Review status: criteria provided, single submitter. Criteria: ACMG Guidelines, 2015. Collection method: clinical testing. Allele origin: germline. Affected: no.

GeneDx
Classification: Benign. Last evaluated: 2018-11-11. Review status: criteria provided, single submitter. Criteria: GeneDx Variant Classification Process June 2021. Collection method: clinical testing. Allele origin: germline. Affected: yes.

Athena Diagnostics
Classification: Benign. Last evaluated: 2018-01-17. Review status: criteria provided, single submitter. Criteria: Athena Diagnostics Criteria. Collection method: clinical testing. Allele origin: germline.

Illumina Laboratory Services, Illumina
Classification: Benign for Leukoencephalopathy with vanishing white matter 1. Last evaluated: 2018-01-13. Review status: criteria provided, single submitter. Criteria: ICSL Variant Classification Criteria 13 December 2019. Collection method: clinical testing. Allele origin: germline.
Comment: This variant was observed in the ICSL laboratory as part of a predisposition screen in an ostensibly healthy population. It had not been previously curated by ICSL or reported in the Human Gene Mutation Database (HGMD: prior to June 1st, 2018), and was therefore a candidate for classification through an automated scoring system. Utilizing variant allele frequency, disease prevalence and penetrance estimates, and inheritance mode, an automated score was calculated to assess if this variant is too frequent to cause the disease. Based on the score and internal cut-off values, a variant classified as benign is not then subjected to further curation. The score for this variant resulted in a classification of benign for this disease.

Eurofins Ntd Llc (ga)
Classification: Benign. Last evaluated: 2013-11-06. Review status: criteria provided, single submitter. Criteria: EGL Classification Definitions 2015. Collection method: clinical testing. Allele origin: germline. Observed: 27 variant alleles, 23 heterozygotes, 4 homozygotes.

Breakthrough Genomics
Classification: Benign. Review status: criteria provided, single submitter. Criteria: ACMG Guidelines, 2015. Collection method: not provided. Allele origin: germline. Inheritance: Autosomal recessive inheritance. Affected: yes.

PreventionGenetics, part of Exact Sciences
Classification: Benign. Review status: criteria provided, single submitter. Criteria: ACMG Guidelines, 2015. Collection method: clinical testing. Allele origin: germline.

Natera, Inc.
Classification: Benign for Leukoencephalopathy with vanishing white matter. Last evaluated: 2020-09-16. Review status: no assertion criteria provided. Collection method: clinical testing. Allele origin: germline. Not counted in ClinVar's aggregate classification.

Genetic Services Laboratory, University of Chicago
Classification: Likely benign for AllHighlyPenetrant. Review status: no assertion criteria provided. Collection method: clinical testing. Allele origin: germline. Inheritance: Autosomal recessive inheritance. Not counted in ClinVar's aggregate classification.
Comment: Likely benign based on allele frequency in 1000 Genomes Project or ESP global frequency and its presence in a patient with a rare or unrelated disease phenotype. NOT Sanger confirmed.

Literature cited by the submitters: PubMed 11704758 (cited by Mayo Clinic Laboratories, Mayo Clinic and Athena Diagnostics); PubMed 26671108 (cited by Mayo Clinic Laboratories, Mayo Clinic and Athena Diagnostics); PubMed 28910604 (cited by Mayo Clinic Laboratories, Mayo Clinic).

NM_003907.3(EIF2B5):c.1759A>G (p.Ile587Val)

Gene: EIF2B5 (eukaryotic translation initiation factor 2B subunit epsilon; plus strand). Cytogenetic location: 3q27.1.
Variant type: single nucleotide variant.
Coding change: c.1759A>G on transcript NM_003907.3 (MANE Select); coding-DNA position 1759, A replaced by G.
Protein change: p.Ile587Val; replaces isoleucine 587 with valine.
Molecular consequence: missense variant.
Genome position (GRCh38, 1-based): chr3:184,143,455, A>G. VCF-style: chr3-184143455-A-G. GRCh37 (hg19) VCF-style: chr3-183861243-A-G.
Other names: short protein forms I587V.
Identifiers: ClinVar variation 94381 (VCV000094381.26), dbSNP rs843358, ClinGen allele CA147790.
Genomic context (GRCh38, chr3:184,143,455, plus strand): 5'-GCTGAAAGGCCAGTGAAGGCCCTGGTGTCACCCCAGTCTCCCCACAGGTATGCCTATAAC[A>G]TAAGTCTAAAGGAGGTGATGCAGGTACTGAGCCACGTGGTCCTGGAGTTCCCCCTGCAAC-3'
Protein context (NP_003898.2, residues 577-597): EINSLKYAYN[Ile587Val]SLKEVMQVLS